The following is an entry in ClinVar:

ClinVar aggregate classification (germline): Uncertain significance (1 of 4 stars; one submission).

Submission:

Labcorp Genetics (formerly Invitae), Labcorp
Classification: Uncertain significance. Last evaluated: 2023-04-10. Review status: criteria provided, single submitter. Criteria: Invitae Variant Classification Sherloc (09022015). Collection method: clinical testing. Allele origin: germline.
Comment: In summary, the available evidence is currently insufficient to determine the role of this variant in disease. Therefore, it has been classified as a Variant of Uncertain Significance. An algorithm developed to predict the effect of missense changes on protein structure and function (PolyPhen-2) suggests that this variant is likely to be disruptive. This variant has not been reported in the literature in individuals affected with WHRN-related conditions. This variant is not present in population databases (gnomAD no frequency). This sequence change replaces glutamic acid, which is acidic and polar, with lysine, which is basic and polar, at codon 478 of the WHRN protein (p.Glu478Lys).

NM_015404.4(WHRN):c.1432G>A (p.Glu478Lys)

Gene: WHRN (whirlin; minus strand). Cytogenetic location: 9q32.
Variant type: single nucleotide variant.
Coding change: c.1432G>A on transcript NM_015404.4 (MANE Select); coding-DNA position 1432, G replaced by A.
Protein change: p.Glu478Lys; replaces glutamic acid 478 with lysine.
Molecular consequence: missense variant.
Genome position (GRCh38, 1-based): chr9:114,423,508, C>T on the plus strand (G>A on the coding strand, the complement: WHRN is on the minus strand). VCF-style: chr9-114423508-C-T. GRCh37 (hg19) VCF-style: chr9-117185788-C-T.
Other names: c.283G>A, p.Glu95Lys (NM_001083885.3); c.1432G>A, p.Glu478Lys (NM_001173425.2); c.379G>A, p.Glu127Lys (NM_001346890.1); short protein forms E478K, E127K, E95K.
Identifiers: ClinVar variation 2854683 (VCV002854683.3), dbSNP rs1564134177, ClinGen allele CA374607685.